The following is an entry in ClinVar:

NM_001365536.1(SCN9A):c.361A>C (p.Lys121Gln)

Gene: SCN9A (sodium voltage-gated channel alpha subunit 9; minus strand). Cytogenetic location: 2q24.3.
Variant type: single nucleotide variant.
Coding change: c.361A>C on transcript NM_001365536.1 (MANE Select); coding-DNA position 361, A replaced by C.
Protein change: p.Lys121Gln; replaces lysine 121 with glutamine.
Molecular consequence: missense variant.
Genome position (GRCh38, 1-based): chr2:166,306,972, T>G on the plus strand (A>C on the coding strand, the complement: SCN9A is on the minus strand). VCF-style: chr2-166306972-T-G. GRCh37 (hg19) VCF-style: chr2-167163482-T-G.
Other names: c.361A>C, p.Lys121Gln (NM_002977.4); short protein forms K121Q.
Identifiers: ClinVar variation 538472 (VCV000538472.27), dbSNP rs200486515, ClinGen allele CA1944819.

ClinVar aggregate classification (germline): Conflicting classifications of pathogenicity. Review status: criteria provided, conflicting classifications (1 of 4 stars). 7 submissions from 7 submitters: Uncertain significance (4); Likely benign (1). 2 of the submissions do not count toward it. Last evaluated 2026-07-18.

Conditions:
Generalized epilepsy with febrile seizures plus, type 7 (GEFSP7). Also called: GEFS+, TYPE 7. Identifiers: Orphanet 36387, MedGen C2751778, MONDO:0013470, OMIM 613863.
Neuropathy, hereditary sensory and autonomic, type 2A (HSAN2A). Also called: ACROOSTEOLYSIS, GIACCAI TYPE; ACROOSTEOLYSIS, NEUROGENIC; WNK1-Related HSAN2 (HSAN2A); HSAN IIA; MORVAN DISEASE; NEUROPATHY, CONGENITAL SENSORY. Identifiers: Orphanet 970, MedGen C2752089, MONDO:0024309, OMIM 201300.
SCN9A-related disorder. Also called: SCN9A-related disorders; SCN9A-related condition.

Allele frequency attached by ClinVar (database versions not stated): ExAC 0.00037; gnomAD 0.00009; TOPMed 0.00012; gnomAD exomes 0.00014 and 0.00017; ESP Exome Variant Server 0.00017.
gnomAD v4.1: 205 of 1,582,362 alleles (0.013%); highest among the groups gnomAD compares: Non-Finnish European, 0.017%; no homozygotes.

Submissions (7):

GeneDx
Classification: Uncertain significance. Last evaluated: 2026-07-18. Review status: criteria provided, single submitter. Criteria: GeneDx Variant Classification Process June 2021. Collection method: clinical testing. Allele origin: germline.
Comment: Has not been previously published as pathogenic or benign to our knowledge; In silico analysis supports that this missense variant has a deleterious effect on protein structure/function

Women's Health and Genetics/Laboratory Corporation of America, LabCorp
Classification: Uncertain significance. Last evaluated: 2026-06-18. Review status: criteria provided, single submitter. Criteria: LabCorp Variant Classification Summary - May 2015. Collection method: clinical testing. Allele origin: germline.
Comment: Variant summary: SCN9A c.361A>C (p.Lys121Gln) results in a conservative amino acid change in the encoded protein sequence. Algorithms developed to predict the effect of missense changes on protein structure and function are either unavailable or do not agree on the potential impact of this missense change. The variant allele was found at a frequency of 0.00017 in 247178 control chromosomes. This frequency is not significantly higher than estimated for disease-causing variants in SCN9A, allowing no conclusion about variant significance. To our knowledge, no occurrence of c.361A>C in individuals affected with SCN9A-related conditions and no experimental evidence demonstrating its impact on protein function have been reported. ClinVar contains an entry for this variant (Variation ID: 538472). Based on the evidence outlined above, the variant was classified as uncertain significance.

PreventionGenetics, part of Exact Sciences
Classification: Uncertain significance for SCN9A-related condition. Last evaluated: 2025-12-29. Review status: criteria provided, single submitter. Criteria: ACMG Guidelines, 2015. Collection method: clinical testing. Allele origin: germline.
Comment: The SCN9A c.361A>C variant is predicted to result in the amino acid substitution p.Lys121Gln. To our knowledge, this variant has not been reported in the literature. This variant is reported in 0.035% of alleles in individuals of European (non-Finnish) descent in gnomAD. At this time, the clinical significance of this variant is uncertain due to the absence of conclusive functional and genetic evidence.

Labcorp Genetics (formerly Invitae), Labcorp
Classification: Likely benign for Neuropathy, hereditary sensory and autonomic, type 2A; Generalized epilepsy with febrile seizures plus, type 7. Last evaluated: 2025-12-02. Review status: criteria provided, single submitter. Criteria: Invitae Variant Classification Sherloc (09022015). Collection method: clinical testing. Allele origin: germline.

ARUP Laboratories, Molecular Genetics and Genomics, ARUP Laboratories
Classification: Uncertain significance. Last evaluated: 2021-02-27. Review status: criteria provided, single submitter. Criteria: ARUP Molecular Germline Variant Investigation Process 2021. Collection method: clinical testing. Allele origin: germline.
Comment: The SCN9A p.Lys121Gln variant (rs200486515), to our knowledge, has not been reported in the medical literature; however, this variant is listed in the ClinVar database (Variation ID: 538472). This variant is found in the general population with an overall allele frequency of 0.02% (46/278,556 alleles) in the Genome Aggregation Database. The lysine at codon 121 is highly conserved, and computational analyses predict that this variant is deleterious (REVEL: 0.714). However, based on the available information, the clinical significance of this variant is uncertain.

Diagnostic Laboratory, Department of Genetics, University Medical Center Groningen
Classification: Uncertain significance. Review status: no assertion criteria provided. Collection method: clinical testing. Allele origin: germline. Affected: yes. Study: VKGL Data-share Consensus. Not counted in ClinVar's aggregate classification.

Joint Genome Diagnostic Labs from Nijmegen and Maastricht, Radboudumc and MUMC+
Classification: Uncertain significance. Review status: no assertion criteria provided. Collection method: clinical testing. Allele origin: germline. Affected: yes. Study: VKGL Data-share Consensus. Not counted in ClinVar's aggregate classification.